The following is an entry in ClinVar:

ClinVar aggregate classification (germline): Uncertain significance (1 of 4 stars; one submission).

gnomAD v4.1: 22 of 1,610,648 alleles (0.0014%); highest among the groups gnomAD compares: Non-Finnish European, 0.0019%; no homozygotes.

Submission:

Mayo Clinic Laboratories, Mayo Clinic
Classification: Uncertain significance. Last evaluated: 2025-08-20. Review status: criteria provided, single submitter. Criteria: ACMG Guidelines, 2015. Collection method: clinical testing. Allele origin: germline. Observed: 2 variant alleles.
Comment: BP4_moderate, PM2_supporting

NM_001009944.3(PKD1):c.5278T>C (p.Trp1760Arg)

Gene: PKD1 (polycystin 1, transient receptor potential channel interacting; minus strand). Cytogenetic location: 16p13.3.
Variant type: single nucleotide variant.
Coding change: c.5278T>C on transcript NM_001009944.3 (MANE Select); coding-DNA position 5278, T replaced by C.
Protein change: p.Trp1760Arg; replaces tryptophan 1760 with arginine.
Molecular consequence: missense variant.
Genome position (GRCh38, 1-based): chr16:2,109,889, A>G on the plus strand (T>C on the coding strand, the complement: PKD1 is on the minus strand). VCF-style: chr16-2109889-A-G. GRCh37 (hg19) VCF-style: chr16-2159890-A-G.
Other names: p.Trp1760Arg; c.5278T>C, p.Trp1760Arg (NM_000296.4); short protein forms W1760R.
Identifiers: ClinVar variation 4541996 (VCV004541996.1).